The following is an entry in ClinVar:

NM_032492.4(JAGN1):c.252C>G (p.Pro84=)

Gene: JAGN1 (jagunal homolog 1; plus strand). Cytogenetic location: 3p25.3.
Variant type: single nucleotide variant.
Coding change: c.252C>G on transcript NM_032492.4 (MANE Select); coding-DNA position 252, C replaced by G.
Protein change: p.Pro84=; no amino-acid change (proline 84 retained).
Molecular consequence: synonymous variant.
Genome position (GRCh38, 1-based): chr3:9,893,077, C>G. VCF-style: chr3-9893077-C-G. GRCh37 (hg19) VCF-style: chr3-9934761-C-G.
Other names: c.90C>G, p.Pro30= (NM_001363890.1).
Identifiers: ClinVar variation 3351168 (VCV003351168.1).

ClinVar aggregate classification (germline): Likely benign (0 of 4 stars; one submission).

Conditions:
JAGN1-related disorder. Also called: JAGN1-related condition.

Submission:

PreventionGenetics, part of Exact Sciences
Classification: Likely benign for JAGN1-related condition. Last evaluated: 2024-04-18. Review status: no assertion criteria provided. Collection method: clinical testing. Allele origin: germline.
Comment: This variant is classified as likely benign based on ACMG/AMP sequence variant interpretation guidelines (Richards et al. 2015 PMID: 25741868, with internal and published modifications).